The following is an entry in ClinVar:

ClinVar aggregate classification (germline): Uncertain significance (1 of 4 stars; one submission).

Conditions:
Gastrointestinal stromal tumor. Also called: Gastrointestinal stroma tumor; Gastrointestinal stromal tumor, somatic. Identifiers: Orphanet 44890, MedGen C0238198, MeSH D046152, MONDO:0011719, OMIM 606764, HP:0100723.

Submission:

Labcorp Genetics (formerly Invitae), Labcorp
Classification: Uncertain significance for Gastrointestinal stromal tumor. Last evaluated: 2025-02-12. Review status: criteria provided, single submitter. Criteria: Invitae Variant Classification Sherloc (09022015). Collection method: clinical testing. Allele origin: germline.
Comment: This sequence change replaces lysine, which is basic and polar, with glutamic acid, which is acidic and polar, at codon 385 of the PDGFRA protein (p.Lys385Glu). This variant is not present in population databases (gnomAD no frequency). This variant has not been reported in the literature in individuals affected with PDGFRA-related conditions. Invitae Evidence Modeling of protein sequence and biophysical properties (such as structural, functional, and spatial information, amino acid conservation, physicochemical variation, residue mobility, and thermodynamic stability) indicates that this missense variant is not expected to disrupt PDGFRA protein function with a negative predictive value of 80%. In summary, the available evidence is currently insufficient to determine the role of this variant in disease. Therefore, it has been classified as a Variant of Uncertain Significance.

NM_006206.6(PDGFRA):c.1153A>G (p.Lys385Glu)

Gene: PDGFRA (platelet derived growth factor receptor alpha; plus strand). Cytogenetic location: 4q12.
Variant type: single nucleotide variant.
Coding change: c.1153A>G on transcript NM_006206.6 (MANE Select); coding-DNA position 1153, A replaced by G.
Protein change: p.Lys385Glu; replaces lysine 385 with glutamic acid.
Molecular consequence: missense variant.
Genome position (GRCh38, 1-based): chr4:54,270,664, A>G. VCF-style: chr4-54270664-A-G. GRCh37 (hg19) VCF-style: chr4-55136831-A-G.
Other names: c.1153A>G, p.Lys385Glu (NM_001347827.2, NM_001347829.2); c.1228A>G, p.Lys410Glu (NM_001347828.2); c.1192A>G, p.Lys398Glu (NM_001347830.2); short protein forms K385E, K398E, K410E.
Identifiers: ClinVar variation 4805661 (VCV004805661.1).